The following is an entry in ClinVar:

NM_000059.4(BRCA2):c.4112del (p.Gln1371fs)

Gene: BRCA2 (BRCA2 DNA repair associated; plus strand). Cytogenetic location: 13q13.1.
Variant type: Deletion.
Coding change: c.4112del on transcript NM_000059.4 (MANE Select); coding-DNA position 4112, one base deleted (A; older notation c.4112delA).
Protein change: p.Gln1371fs; shifts the reading frame from glutamine 1371.
Molecular consequence: frameshift variant. On other transcripts: non-coding transcript variant (1), intron variant (2).
Genome position (GRCh38, 1-based): chr13:32,338,467, A deleted. VCF-style (leftmost placement, unchanged base first): chr13-32338466-CA-C. GRCh37 (hg19) VCF-style: chr13-32912603-CA-C.
Other names: c.4112del, p.Gln1371fs (NM_001406719.1, NM_001406720.1, NM_001432077.1); c.1909+5080del (NM_001406721.1); c.425-6091del (NM_001406722.1); short protein forms Q1371fs.
Identifiers: ClinVar variation 4215288 (VCV004215288.1).

ClinVar aggregate classification (germline): Pathogenic (1 of 4 stars; one submission).

Conditions:
Hereditary cancer-predisposing syndrome. Also called: Neoplastic Syndromes, Hereditary; Tumor predisposition; Hereditary Cancer Syndrome; Hereditary neoplastic syndrome. Identifiers: Orphanet 140162, MedGen C0027672, MeSH D009386, MONDO:0015356.

Submission:

Ambry Genetics
Classification: Pathogenic for Hereditary cancer-predisposing syndrome. Last evaluated: 2025-06-30. Review status: criteria provided, single submitter. Criteria: Ambry Variant Classification Scheme 2023. Collection method: clinical testing. Allele origin: germline.
Comment: The c.4112delA pathogenic mutation, located in coding exon 10 of the BRCA2 gene, results from a deletion of one nucleotide at nucleotide position 4112, causing a translational frameshift with a predicted alternate stop codon (p.Q1371Rfs*3). This variant is considered to be rare based on population cohorts in the Genome Aggregation Database (gnomAD). This alteration is expected to result in loss of function by premature protein truncation or nonsense-mediated mRNA decay. As such, this alteration is interpreted as a disease-causing mutation.